The following is an entry in ClinVar:

NM_052844.4(DYNC2I2):c.313A>G (p.Ile105Val)

Gene: DYNC2I2 (dynein 2 intermediate chain 2; minus strand). Cytogenetic location: 9q34.11.
Variant type: single nucleotide variant.
Coding change: c.313A>G on transcript NM_052844.4 (MANE Select); coding-DNA position 313, A replaced by G.
Protein change: p.Ile105Val; replaces isoleucine 105 with valine.
Molecular consequence: missense variant.
Genome position (GRCh38, 1-based): chr9:128,640,813, T>C on the plus strand (A>G on the coding strand, the complement: DYNC2I2 is on the minus strand). VCF-style: chr9-128640813-T-C. GRCh37 (hg19) VCF-style: chr9-131403092-T-C.
Other names: c.313A>G (NM_052844.3); short protein forms I105V.
Identifiers: ClinVar variation 1681257 (VCV001681257.6), dbSNP rs1192627410, ClinGen allele CA375127365.

ClinVar aggregate classification (germline): Uncertain significance. Review status: criteria provided, multiple submitters, no conflicts (2 of 4 stars). 2 submissions from 2 submitters: Uncertain significance (2). Last evaluated 2022-03-18.

Conditions:
Short-rib thoracic dysplasia 11 with or without polydactyly (SRTD11). Also called: SHORT-RIB THORACIC DYSPLASIA 11 WITHOUT POLYDACTYLY. Identifiers: Orphanet 474, Orphanet 93271, MedGen C3810200, MONDO:0014287, OMIM 615633.
Inborn genetic diseases. Identifiers: MedGen C0950123, MeSH D030342.

Allele frequency attached by ClinVar (database versions not stated): gnomAD exomes below 0.00001; gnomAD 0.00002; TOPMed 0.00002.
gnomAD v4.1: 6 of 1,614,034 alleles (0.00037%); highest among the groups gnomAD compares: African/African-American, 0.0067%; no homozygotes.

Submissions (2):

Labcorp Genetics (formerly Invitae), Labcorp
Classification: Uncertain significance for Short-rib thoracic dysplasia 11 with or without polydactyly. Last evaluated: 2022-03-18. Review status: criteria provided, single submitter. Criteria: Invitae Variant Classification Sherloc (09022015). Collection method: clinical testing. Allele origin: germline.
Comment: Algorithms developed to predict the effect of sequence changes on RNA splicing suggest that this variant may create or strengthen a splice site. In summary, the available evidence is currently insufficient to determine the role of this variant in disease. Therefore, it has been classified as a Variant of Uncertain Significance. Algorithms developed to predict the effect of missense changes on protein structure and function (SIFT, PolyPhen-2, Align-GVGD) all suggest that this variant is likely to be tolerated. This variant has not been reported in the literature in individuals affected with WDR34-related conditions. This variant is present in population databases (no rsID available, gnomAD 0.01%). This sequence change replaces isoleucine, which is neutral and non-polar, with valine, which is neutral and non-polar, at codon 105 of the WDR34 protein (p.Ile105Val).

Ambry Genetics
Classification: Uncertain significance for Inborn genetic diseases. Last evaluated: 2021-07-20. Review status: criteria provided, single submitter. Criteria: Ambry Variant Classification Scheme 2023. Collection method: clinical testing. Allele origin: germline.